The following is an entry in ClinVar:

NM_002382.5(MAX):c.445C>A (p.Pro149Thr)

Gene: MAX (MYC associated transcriptional regulator X; minus strand). Cytogenetic location: 14q23.3.
Variant type: single nucleotide variant.
Coding change: c.445C>A on transcript NM_002382.5 (MANE Select); coding-DNA position 445, C replaced by A.
Protein change: p.Pro149Thr; replaces proline 149 with threonine.
Molecular consequence: missense variant. On other transcripts: 3 prime UTR variant (12), non-coding transcript variant (7), intron variant (2).
Genome position (GRCh38, 1-based): chr14:65,076,514, G>T on the plus strand (C>A on the coding strand, the complement: MAX is on the minus strand). VCF-style: chr14-65076514-G-T. GRCh37 (hg19) VCF-style: chr14-65543232-G-T.
Other names: c.*234C>A (NM_001407101.1, NM_001407103.1, NM_001407109.1 and 4 more transcripts); c.*218C>A (NM_001407102.1, NM_001407104.1, NM_001407108.1 and 2 more transcripts); c.256C>A, p.Pro86Thr (NM_001407105.1, NM_001407106.1, NM_001407107.1 and 1 more transcripts); c.244C>A, p.Pro82Thr (NM_001407111.1, NM_001407112.1); c.445C>A, p.Pro149Thr (NM_001407094.1); c.418C>A, p.Pro140Thr (NM_001407095.1, NM_145112.3); c.337C>A, p.Pro113Thr (NM_001407098.1); c.144+17194C>A (NM_001271069.2); and 1 more; short protein forms P113T, P82T, P86T, P140T, P149T.
Identifiers: ClinVar variation 3642213 (VCV003642213.2).

ClinVar aggregate classification (germline): Uncertain significance (1 of 4 stars; one submission).

Conditions:
Hereditary pheochromocytoma and paraganglioma. Also called: Hereditary paragangliomas and pheochromocytomas; Hereditary Paraganglioma-Pheochromocytoma Syndromes; Hereditary pheochromocytoma-paraganglioma. Identifiers: Orphanet 29072, MedGen C4274332, MONDO:0017366.

Submission:

Labcorp Genetics (formerly Invitae), Labcorp
Classification: Uncertain significance for Hereditary pheochromocytoma and paraganglioma. Last evaluated: 2024-02-20. Review status: criteria provided, single submitter. Criteria: Invitae Variant Classification Sherloc (09022015). Collection method: clinical testing. Allele origin: germline.
Comment: This sequence change replaces proline, which is neutral and non-polar, with threonine, which is neutral and polar, at codon 149 of the MAX protein (p.Pro149Thr). This variant is not present in population databases (gnomAD no frequency). This variant has not been reported in the literature in individuals affected with MAX-related conditions. An algorithm developed to predict the effect of missense changes on protein structure and function (PolyPhen-2) suggests that this variant is likely to be tolerated. In summary, the available evidence is currently insufficient to determine the role of this variant in disease. Therefore, it has been classified as a Variant of Uncertain Significance.